The following is an entry in ClinVar:

NM_001122630.2(CDKN1C):c.110C>A (p.Ala37Asp)

Gene: CDKN1C (cyclin dependent kinase inhibitor 1C; minus strand). Cytogenetic location: 11p15.4.
Variant type: single nucleotide variant.
Coding change: c.110C>A on transcript NM_001122630.2 (MANE Select); coding-DNA position 110, C replaced by A.
Protein change: p.Ala37Asp; replaces alanine 37 with aspartic acid.
Molecular consequence: missense variant.
Genome position (GRCh38, 1-based): chr11:2,885,347, G>T on the plus strand (C>A on the coding strand, the complement: CDKN1C is on the minus strand). VCF-style: chr11-2885347-G-T. GRCh37 (hg19) VCF-style: chr11-2906577-G-T.
Other names: c.143C>A, p.Ala48Asp (NM_001362474.2, NM_000076.2); c.110C>A, p.Ala37Asp (NM_001362475.2, NM_001122631.2); short protein forms A37D, A48D.
Identifiers: ClinVar variation 2846775 (VCV002846775.3), dbSNP rs774548414, ClinGen allele CA379147620.

ClinVar aggregate classification (germline): Uncertain significance (1 of 4 stars; one submission).

Conditions:
Beckwith-Wiedemann syndrome (BWS). Also called: Exomphalos macroglossia gigantism syndrome; EMG SYNDROME. Identifiers: Orphanet 116, MedGen C0004903, MONDO:0007534, OMIM 130650.

Allele frequency attached by ClinVar (database versions not stated): TOPMed below 0.00001.

Submission:

Labcorp Genetics (formerly Invitae), Labcorp
Classification: Uncertain significance for Beckwith-Wiedemann syndrome. Last evaluated: 2023-07-08. Review status: criteria provided, single submitter. Criteria: Invitae Variant Classification Sherloc (09022015). Collection method: clinical testing. Allele origin: germline.
Comment: In summary, the available evidence is currently insufficient to determine the role of this variant in disease. Therefore, it has been classified as a Variant of Uncertain Significance. Advanced modeling of protein sequence and biophysical properties (such as structural, functional, and spatial information, amino acid conservation, physicochemical variation, residue mobility, and thermodynamic stability) performed at Invitae indicates that this missense variant is not expected to disrupt CDKN1C protein function. This variant has not been reported in the literature in individuals affected with CDKN1C-related conditions. This variant is not present in population databases (gnomAD no frequency). This sequence change replaces alanine, which is neutral and non-polar, with aspartic acid, which is acidic and polar, at codon 48 of the CDKN1C protein (p.Ala48Asp).